The following is an entry in ClinVar:

ClinVar aggregate classification (germline): Likely benign (1 of 4 stars; one submission).

Conditions:
IFT140-related disorder. Also called: IFT140-related condition.

gnomAD v4.1: 3 of 1,577,530 alleles (0.00019%); highest among the groups gnomAD compares: African/African-American, 0.0027%; no homozygotes.

Submission:

PreventionGenetics, part of Exact Sciences
Classification: Likely benign for IFT140-related condition. Last evaluated: 2025-05-28. Review status: criteria provided, single submitter. Criteria: ACMG Guidelines, 2015. Collection method: clinical testing. Allele origin: germline.
Comment: This variant is classified as likely benign based on ACMG/AMP sequence variant interpretation guidelines (Richards et al. 2015 PMID: 25741868, with internal and published modifications).

NM_014714.4(IFT140):c.2578-5C>T

Gene: IFT140 (intraflagellar transport 140; minus strand). Cytogenetic location: 16p13.3.
Variant type: single nucleotide variant.
Coding change: c.2578-5C>T on transcript NM_014714.4 (MANE Select); 5 bases into the intron before coding-DNA position 2578, C replaced by T.
Molecular consequence: intron variant.
Genome position (GRCh38, 1-based): chr16:1,526,082, G>A on the plus strand (C>T on the coding strand, the complement: IFT140 is on the minus strand). VCF-style: chr16-1526082-G-A. GRCh37 (hg19) VCF-style: chr16-1576083-G-A.
Identifiers: ClinVar variation 4983363 (VCV004983363.1).